The following is an entry in ClinVar:

NM_058216.3(RAD51C):c.733G>A (p.Ala245Thr)

Gene: RAD51C (RAD51 paralog C; plus strand). Cytogenetic location: 17q22.
Variant type: single nucleotide variant.
Coding change: c.733G>A on transcript NM_058216.3 (MANE Select); coding-DNA position 733, G replaced by A.
Protein change: p.Ala245Thr; replaces alanine 245 with threonine.
Molecular consequence: missense variant. On other transcripts: non-coding transcript variant (1).
Genome position (GRCh38, 1-based): chr17:58,709,886, G>A. VCF-style: chr17-58709886-G-A. GRCh37 (hg19) VCF-style: chr17-56787247-G-A.
Other names: short protein forms A245T.
Identifiers: ClinVar variation 4740360 (VCV004740360.1).
Genomic context (GRCh38, chr17:58,709,886, plus strand): 5'-TAACAAATCTAATATTATCTCTTCTGTATTTAGGTTCGACTAGTGATAGTGGATGGTATT[G>A]CTTTTCCATTTCGTCATGACCTAGATGACCTGTCTCTTCGTACTCGGTTATTAAATGGCC-3'
Protein context (NP_478123.1, residues 235-255): KVRLVIVDGI[Ala245Thr]FPFRHDLDDL

ClinVar aggregate classification (germline): Uncertain significance (1 of 4 stars; one submission).

Conditions:
Fanconi anemia complementation group O. Also called: RAD51C-Related Fanconi Anemia. Identifiers: Orphanet 84, MedGen C3150653, MONDO:0013248, OMIM 613390.

Submission:

Labcorp Genetics (formerly Invitae), Labcorp
Classification: Uncertain significance for Fanconi anemia complementation group O. Last evaluated: 2025-09-03. Review status: criteria provided, single submitter. Criteria: Invitae Variant Classification Sherloc (09022015). Collection method: clinical testing. Allele origin: germline.
Comment: This sequence change replaces alanine, which is neutral and non-polar, with threonine, which is neutral and polar, at codon 245 of the RAD51C protein (p.Ala245Thr). This variant is not present in population databases (gnomAD no frequency). This variant has not been reported in the literature in individuals affected with RAD51C-related conditions. Invitae Evidence Modeling of protein sequence and biophysical properties (such as structural, functional, and spatial information, amino acid conservation, physicochemical variation, residue mobility, and thermodynamic stability) indicates that this missense variant is not expected to disrupt RAD51C protein function with a negative predictive value of 80%. In summary, the available evidence is currently insufficient to determine the role of this variant in disease. Therefore, it has been classified as a Variant of Uncertain Significance.